The following is an entry in ClinVar:

ClinVar aggregate classification (germline): Uncertain significance (1 of 4 stars; one submission).

Conditions:
Saldino-Mainzer syndrome (SRTD9). Also called: CONORENAL SYNDROME; SHORT-RIB THORACIC DYSPLASIA 9 WITHOUT POLYDACTYLY; short-rib thoracic dysplasia 9 with or without polydactyly; Renal dysplasia, retinal pigmentary dystrophy, cerebellar ataxia and skeletal dysplasia. Identifiers: Orphanet 140969, MedGen C1849437, MONDO:0009964, OMIM 266920.

Allele frequency attached by ClinVar (database versions not stated): gnomAD exomes below 0.00001 and 0.00001.

Submission:

Labcorp Genetics (formerly Invitae), Labcorp
Classification: Uncertain significance for Saldino-Mainzer syndrome. Last evaluated: 2022-07-19. Review status: criteria provided, single submitter. Criteria: Invitae Variant Classification Sherloc (09022015). Collection method: clinical testing. Allele origin: germline.
Comment: Algorithms developed to predict the effect of missense changes on protein structure and function (SIFT, PolyPhen-2, Align-GVGD) all suggest that this variant is likely to be tolerated. In summary, the available evidence is currently insufficient to determine the role of this variant in disease. Therefore, it has been classified as a Variant of Uncertain Significance. ClinVar contains an entry for this variant (Variation ID: 936948). This variant has not been reported in the literature in individuals affected with IFT140-related conditions. This variant is not present in population databases (gnomAD no frequency). This sequence change replaces glycine, which is neutral and non-polar, with serine, which is neutral and polar, at codon 969 of the IFT140 protein (p.Gly969Ser).

NM_014714.4(IFT140):c.2905G>A (p.Gly969Ser)

Genes: IFT140 (intraflagellar transport 140; minus strand), LOC126862260 (CDK7 strongly-dependent group 2 enhancer GRCh37_chr16:1574508-1575707; plus strand). Cytogenetic location: 16p13.3.
Variant type: single nucleotide variant.
Coding change: c.2905G>A on transcript NM_014714.4 (MANE Select); coding-DNA position 2905, G replaced by A.
Protein change: p.Gly969Ser; replaces glycine 969 with serine.
Molecular consequence: missense variant.
Genome position (GRCh38, 1-based): chr16:1,524,876, C>T on the plus strand (G>A on the coding strand, the complement: IFT140 is on the minus strand). VCF-style: chr16-1524876-C-T. GRCh37 (hg19) VCF-style: chr16-1574877-C-T.
Other names: short protein forms G969S.
Identifiers: ClinVar variation 936948 (VCV000936948.10), dbSNP rs1343112452, ClinGen allele CA394226498.